The following is an entry in ClinVar:

NM_012186.3(FOXE3):c.664C>T (p.Leu222=)

Genes: FOXE3 (forkhead box E3; plus strand), LINC01389 (long independently transcribed non-coding RNA 1389; minus strand). Cytogenetic location: 1p33.
Variant type: single nucleotide variant.
Coding change: c.664C>T on transcript NM_012186.3 (MANE Select); coding-DNA position 664, C replaced by T.
Protein change: p.Leu222=; no amino-acid change (leucine 222 retained).
Molecular consequence: synonymous variant.
Genome position (GRCh38, 1-based): chr1:47,416,979, C>T. VCF-style: chr1-47416979-C-T. GRCh37 (hg19) VCF-style: chr1-47882651-C-T.
Identifiers: ClinVar variation 4790998 (VCV004790998.1).

ClinVar aggregate classification (germline): Uncertain significance (1 of 4 stars; one submission).

Conditions:
Anterior segment dysgenesis. Also called: Ocular anterior segment dysgenesis. Identifiers: Orphanet 88632, MedGen C1862839, MONDO:0019503, HP:0007700.
Congenital primary aphakia. Also called: Anterior segment dysgenesis 2, multiple subtypes; ANTERIOR SEGMENT DYSGENESIS 2. Identifiers: Orphanet 83461, MedGen C1853230, MONDO:0012456, OMIM 610256.

Submission:

Labcorp Genetics (formerly Invitae), Labcorp
Classification: Uncertain significance for Anterior segment dysgenesis; Congenital primary aphakia. Last evaluated: 2026-01-11. Review status: criteria provided, single submitter. Criteria: Invitae Variant Classification Sherloc (09022015). Collection method: clinical testing. Allele origin: germline.
Comment: This sequence change affects codon 222 of the FOXE3 mRNA. It is a 'silent' change, meaning that it does not change the encoded amino acid sequence of the FOXE3 protein. This variant is not present in population databases (gnomAD no frequency). This variant has not been reported in the literature in individuals affected with FOXE3-related conditions. In summary, the available evidence is currently insufficient to determine the role of this variant in disease. Therefore, it has been classified as a Variant of Uncertain Significance.